The following is an entry in ClinVar:

ClinVar aggregate classification (germline): Uncertain significance (1 of 4 stars; one submission).

Conditions:
Inborn genetic diseases. Identifiers: MedGen C0950123, MeSH D030342.

Submission:

Ambry Genetics
Classification: Uncertain significance for Inborn genetic diseases. Last evaluated: 2024-02-02. Review status: criteria provided, single submitter. Criteria: Ambry Variant Classification Scheme 2023. Collection method: clinical testing. Allele origin: germline.
Comment: The p.Q222R variant (also known as c.665A>G), located in coding exon 7 of the MDH2 gene, results from an A to G substitution at nucleotide position 665. The glutamine at codon 222 is replaced by arginine, an amino acid with highly similar properties. This amino acid position is conserved. In addition, the in silico prediction for this alteration is inconclusive. Based on the available evidence, the clinical significance of this alteration remains unclear.

NM_005918.4(MDH2):c.665A>G (p.Gln222Arg)

Gene: MDH2 (malate dehydrogenase 2; plus strand). Cytogenetic location: 7q11.23.
Variant type: single nucleotide variant.
Coding change: c.665A>G on transcript NM_005918.4 (MANE Select); coding-DNA position 665, A replaced by G.
Protein change: p.Gln222Arg; replaces glutamine 222 with arginine.
Molecular consequence: missense variant.
Genome position (GRCh38, 1-based): chr7:76,064,370, A>G. VCF-style: chr7-76064370-A-G. GRCh37 (hg19) VCF-style: chr7-75693688-A-G.
Other names: c.539A>G, p.Gln180Arg (NM_001282403.2); c.344A>G, p.Gln115Arg (NM_001282404.2); short protein forms Q115R, Q180R, Q222R.
Identifiers: ClinVar variation 3225206 (VCV003225206.1), dbSNP rs2535871595, ClinGen allele CA367767317.